The following is an entry in ClinVar:

ClinVar aggregate classification (germline): Uncertain significance (1 of 4 stars; one submission).

Conditions:
Predisposition to invasive fungal disease due to CARD9 deficiency (IMD103). Also called: Candidiasis, familial, 2, autosomal recessive; CARD9 IMMUNODEFICIENCY; IMMUNODEFICIENCY 103, SUSCEPTIBILITY TO FUNGAL INFECTIONS. Identifiers: Orphanet 457088, MedGen C1859353, MONDO:0008905, OMIM 212050.

Allele frequency attached by ClinVar (database versions not stated): TOPMed below 0.00001; ExAC 0.00004; gnomAD exomes 0.00007; gnomAD 0.00009.

Submission:

Labcorp Genetics (formerly Invitae), Labcorp
Classification: Uncertain significance for Predisposition to invasive fungal disease due to CARD9 deficiency. Last evaluated: 2023-08-06. Review status: criteria provided, single submitter. Criteria: Invitae Variant Classification Sherloc (09022015). Collection method: clinical testing. Allele origin: germline.
Comment: In summary, the available evidence is currently insufficient to determine the role of this variant in disease. Therefore, it has been classified as a Variant of Uncertain Significance. Advanced modeling of protein sequence and biophysical properties (such as structural, functional, and spatial information, amino acid conservation, physicochemical variation, residue mobility, and thermodynamic stability) performed at Invitae indicates that this missense variant is expected to disrupt CARD9 protein function. ClinVar contains an entry for this variant (Variation ID: 665275). This variant has not been reported in the literature in individuals affected with CARD9-related conditions. This variant is present in population databases (rs761369989, gnomAD 0.07%). This sequence change replaces glutamic acid, which is acidic and polar, with aspartic acid, which is acidic and polar, at codon 194 of the CARD9 protein (p.Glu194Asp).

NM_052813.5(CARD9):c.582G>C (p.Glu194Asp)

Gene: CARD9 (caspase recruitment domain family member 9; minus strand). Cytogenetic location: 9q34.3.
Variant type: single nucleotide variant.
Coding change: c.582G>C on transcript NM_052813.5 (MANE Select); coding-DNA position 582, G replaced by C.
Protein change: p.Glu194Asp; replaces glutamic acid 194 with aspartic acid.
Molecular consequence: missense variant.
Genome position (GRCh38, 1-based): chr9:136,370,886, C>G on the plus strand (G>C on the coding strand, the complement: CARD9 is on the minus strand). VCF-style: chr9-136370886-C-G. GRCh37 (hg19) VCF-style: chr9-139265338-C-G.
Other names: c.582G>C, p.Glu194Asp (NM_052814.4); short protein forms E194D.
Identifiers: ClinVar variation 665275 (VCV000665275.9), dbSNP rs761369989, ClinGen allele CA5333089.